The following is an entry in ClinVar:

NM_033109.5(PNPT1):c.828dup (p.Phe277fs)

Gene: PNPT1 (polyribonucleotide nucleotidyltransferase 1; minus strand). Cytogenetic location: 2p16.1.
Variant type: Duplication.
Coding change: c.828dup on transcript NM_033109.5 (MANE Select); coding-DNA position 828, one base duplicated (A; older notation c.828dupA).
Protein change: p.Phe277fs; shifts the reading frame from phenylalanine 277.
Molecular consequence: frameshift variant.
Genome position (GRCh38, 1-based): chr2:55,672,931, T duplicated on the plus strand (A on the coding strand, the reverse complement: PNPT1 is on the minus strand). VCF-style (leftmost placement, unchanged base first): chr2-55672930-A-AT. GRCh37 (hg19) VCF-style: chr2-55900065-A-AT.
Other names: short protein forms F277fs.
Identifiers: ClinVar variation 4731230 (VCV004731230.1).

ClinVar aggregate classification (germline): Pathogenic (1 of 4 stars; one submission).

Submission:

Labcorp Genetics (formerly Invitae), Labcorp
Classification: Pathogenic. Last evaluated: 2025-11-15. Review status: criteria provided, single submitter. Criteria: Invitae Variant Classification Sherloc (09022015). Collection method: clinical testing. Allele origin: germline.
Comment: This sequence change creates a premature translational stop signal (p.Phe277Ilefs*13) in the PNPT1 gene. It is expected to result in an absent or disrupted protein product. Loss-of-function variants in PNPT1 are known to be pathogenic (PMID: 28594066, 30244537). This variant is not present in population databases (gnomAD no frequency). This variant has not been reported in the literature in individuals affected with PNPT1-related conditions. Algorithms developed to predict the effect of sequence changes on RNA splicing suggest that this variant may disrupt the consensus splice site. For these reasons, this variant has been classified as Pathogenic.

Literature cited by the submitters: PubMed 28594066; PubMed 30244537.